The following is an entry in ClinVar:

NM_004721.5(MAP3K13):c.104G>A (p.Gly35Glu)

Gene: MAP3K13 (mitogen-activated protein kinase kinase kinase 13; plus strand). Cytogenetic location: 3q27.2.
Variant type: single nucleotide variant.
Coding change: c.104G>A on transcript NM_004721.5 (MANE Select); coding-DNA position 104, G replaced by A.
Protein change: p.Gly35Glu; replaces glycine 35 with glutamic acid.
Molecular consequence: missense variant. On other transcripts: intron variant (1).
Genome position (GRCh38, 1-based): chr3:185,428,685, G>A. VCF-style: chr3-185428685-G-A. GRCh37 (hg19) VCF-style: chr3-185146473-G-A.
Other names: c.104G>A, p.Gly35Glu (NM_001242314.2); c.39-14760G>A (NM_001242317.2); short protein forms G35E.
Identifiers: ClinVar variation 5040867 (VCV005040867.1).

ClinVar aggregate classification (germline): Likely benign (1 of 4 stars; one submission).

gnomAD v4.1: 3,296 of 1,614,142 alleles (0.2%); highest among the groups gnomAD compares: Non-Finnish European, 0.25%; 5 homozygotes.

Submission:

CeGaT Center for Human Genetics Tuebingen
Classification: Likely benign. Last evaluated: 2026-09-01. Review status: criteria provided, single submitter. Criteria: CeGaT Center For Human Genetics Tuebingen Variant Classification Criteria Version 2. Collection method: clinical testing. Allele origin: germline. Affected: yes. Observed: 1 variant allele.
Comment: MAP3K13: BP4, BS2